The following is an entry in ClinVar:

ClinVar aggregate classification (germline): Uncertain significance. Review status: criteria provided, single submitter (1 of 4 stars). 3 submissions from 1 submitter: Uncertain significance (1). 2 of the submissions do not count toward it. Last evaluated 2022-08-09.

Conditions:
Peroxisome biogenesis disorder, complementation group 7 (CG7). Also called: Peroxisome biogenesis disorder, complementation group B. Identifiers: MedGen C1864399.
Idiopathic generalized epilepsy. Also called: EIG; Generalised epilepsy. Identifiers: MedGen C0270850, MONDO:0005579, OMIM 600669.

Submissions (3):

Labcorp Genetics (formerly Invitae), Labcorp
Classification: Uncertain significance for Peroxisome biogenesis disorder, complementation group 7. Last evaluated: 2022-08-09. Review status: criteria provided, single submitter. Criteria: Invitae Variant Classification Sherloc (09022015). Collection method: clinical testing. Allele origin: germline.
Comment: This variant results in a copy number gain of the genomic region encompassing exon(s) 4-6 of the PEX10 gene. This region includes the termination codon of the gene. This copy number gain extends beyond the assayed region for this gene and therefore may encompass additional genes. As the precise location of this event is unknown, it may be in tandem or it may be located elsewhere in the genome. This variant has not been reported in the literature in individuals affected with PEX10-related conditions. In summary, the available evidence is currently insufficient to determine the role of this variant in disease. Therefore, it has been classified as a Variant of Uncertain Significance.

Labcorp Genetics (formerly Invitae), Labcorp
Classification: Uncertain significance for Idiopathic generalized epilepsy. Last evaluated: 2022-08-09. Review status: flagged submission. Criteria: Invitae Variant Classification Sherloc (09022015). Collection method: clinical testing. Allele origin: germline. Not counted in ClinVar's aggregate classification.
Comment: A copy number gain of the genomic region encompassing the full coding sequence of the GABRD gene has been identified. The boundaries of this event are unknown as they extend beyond the assayed region for this gene and therefore may encompass additional genes. As the precise location of this event is unknown, it may be in tandem or it may be located elsewhere in the genome. This variant has not been reported in the literature in individuals affected with GABRD-related conditions. In summary, the available evidence is currently insufficient to determine the role of this variant in disease. Therefore, it has been classified as a Variant of Uncertain Significance.
ClinVar note: Reason: This record appears to be redundant with a more recent record from the same submitter.
ClinVar note: Notes: SCV002178182 appears to be redundant with SCV002303816.

Labcorp Genetics (formerly Invitae), Labcorp
Classification: Uncertain significance. Last evaluated: 2022-08-09. Review status: flagged submission. Criteria: Invitae Variant Classification Sherloc (09022015). Collection method: clinical testing. Allele origin: germline. Not counted in ClinVar's aggregate classification.
Comment: This variant results in a copy number gain of the genomic region encompassing exon(s) 1-8 of the GNB1 gene. This region includes the initiator codon of the gene. This copy number gain extends beyond the assayed region for this gene and therefore may encompass additional genes. As the precise location of this event is unknown, it may be in tandem or it may be located elsewhere in the genome. This variant has not been reported in the literature in individuals affected with GNB1-related conditions. In summary, the available evidence is currently insufficient to determine the role of this variant in disease. Therefore, it has been classified as a Variant of Uncertain Significance.
ClinVar note: Reason: This record appears to be redundant with a more recent record from the same submitter.
ClinVar note: Notes: SCV002298956 appears to be redundant with SCV002303816.

NC_000001.10:g.(?_1724664)_(2338414_?)dup

Genes: CALML6 (calmodulin like 6; plus strand), CFAP74 (cilia and flagella associated protein 74; minus strand), FAAP20 (FA core complex associated protein 20; minus strand), GABRD (gamma-aminobutyric acid type A receptor subunit delta; plus strand), GNB1 (G protein subunit beta 1; minus strand) and 6 more. Cytogenetic location: 1p36.33-36.32.
Variant type: Duplication.
Identifiers: ClinVar variation 1409942 (VCV001409942.4).